The following is an entry in ClinVar:

ClinVar aggregate classification (germline): Uncertain significance (1 of 4 stars; one submission).

Conditions:
Idiopathic generalized epilepsy. Also called: Generalised epilepsy; EIG. Identifiers: MedGen C0270850, MONDO:0005579, OMIM 600669.
Hyperaldosteronism, familial, type IV (HALD4). Also called: FH IV; ALDOSTERONISM, PRIMARY, AND HYPERTENSION. Identifiers: MONDO:0014875, OMIM 617027, Orphanet 642671, MedGen C4310756.

Allele frequency attached by ClinVar (database versions not stated): gnomAD exomes below 0.00001.
gnomAD v4.1: 5 of 1,600,018 alleles (0.00031%); highest among the groups gnomAD compares: Non-Finnish European, 0.00026%; no homozygotes.

Submission:

Labcorp Genetics (formerly Invitae), Labcorp
Classification: Uncertain significance for Idiopathic generalized epilepsy; Hyperaldosteronism, familial, type IV. Last evaluated: 2019-08-14. Review status: criteria provided, single submitter. Criteria: Invitae Variant Classification Sherloc (09022015). Collection method: clinical testing. Allele origin: germline.
Comment: This variant has not been reported in the literature in individuals with CACNA1H-related conditions. In summary, the available evidence is currently insufficient to determine the role of this variant in disease. Therefore, it has been classified as a Variant of Uncertain Significance. Nucleotide substitutions within the consensus splice site are a relatively common cause of aberrant splicing (PMID: 17576681, 9536098). Algorithms developed to predict the effect of sequence changes on RNA splicing suggest that this variant is not likely to affect RNA splicing, but this prediction has not been confirmed by published transcriptional studies. This variant is not present in population databases (ExAC no frequency). This sequence change falls in intron 27 of the CACNA1H gene. It does not directly change the encoded amino acid sequence of the CACNA1H protein, but it affects a nucleotide within the consensus splice site of the intron.

Literature cited by the submitters: PubMed 17576681; PubMed 9536098.

NM_021098.3(CACNA1H):c.4930-3C>T

Gene: CACNA1H (calcium voltage-gated channel subunit alpha1 H; plus strand). Cytogenetic location: 16p13.3.
Variant type: single nucleotide variant.
Coding change: c.4930-3C>T on transcript NM_021098.3 (MANE Select); 3 bases into the intron before coding-DNA position 4930, C replaced by T.
Molecular consequence: intron variant.
Genome position (GRCh38, 1-based): chr16:1,214,969, C>T. VCF-style: chr16-1214969-C-T. GRCh37 (hg19) VCF-style: chr16-1264969-C-T.
Other names: c.4912-3C>T (NM_001005407.2).
Identifiers: ClinVar variation 949927 (VCV000949927.9), dbSNP rs1969886500, ClinGen allele CA1139663445.